The following is an entry in ClinVar:

NM_001754.5(RUNX1):c.998C>G (p.Pro333Arg)

Gene: RUNX1 (RUNX family transcription factor 1; minus strand). Cytogenetic location: 21q22.12.
Variant type: single nucleotide variant.
Coding change: c.998C>G on transcript NM_001754.5 (MANE Select); coding-DNA position 998, C replaced by G.
Protein change: p.Pro333Arg; replaces proline 333 with arginine.
Molecular consequence: missense variant.
Genome position (GRCh38, 1-based): chr21:34,792,580, G>C on the plus strand (C>G on the coding strand, the complement: RUNX1 is on the minus strand). VCF-style: chr21-34792580-G-C. GRCh37 (hg19) VCF-style: chr21-36164877-G-C.
Other names: NM_001754.5(RUNX1):c.998C>G; c.917C>G, p.Pro306Arg (NM_001001890.3); c.998C>G (NM_001754.4); short protein forms P333R, P306R.
Identifiers: ClinVar variation 572808 (VCV000572808.15), dbSNP rs200104203, ClinGen allele CA410148693.

ClinVar aggregate classification (germline): Uncertain significance. Review status: reviewed by expert panel (3 of 4 stars). 4 submissions from 4 submitters: Uncertain significance (1). 3 of the submissions do not count toward it. Last evaluated 2025-03-26.

Conditions:
Inborn genetic diseases. Identifiers: MedGen C0950123, MeSH D030342.
Hereditary thrombocytopenia and hematologic cancer predisposition syndrome. Identifiers: Orphanet 71290, MedGen CN281654, MONDO:0011071.
Hereditary thrombocytopenia and hematological cancer predisposition syndrome associated with RUNX1. Also called: Familial Platelet Disorder with Propensity to Acute Myelogenous Leukemia; Familial thrombocytopenia with propensity to acute myelogenous leukemia; PLATELET DISORDER, ASPIRIN-LIKE; RUNX1 Familial Platelet Disorder with Associated Myeloid Malignancies. Identifiers: Orphanet 71290, MedGen C1832388, MeSH C563324, MONDO:0100083, OMIM 601399.

Allele frequency attached by ClinVar (database versions not stated): TOPMed 0.00001; gnomAD 0.00002; gnomAD exomes 0.00002.
gnomAD v4.1: 7 of 1,602,132 alleles (0.00044%); highest among the groups gnomAD compares: Admixed American, 0.012%; no homozygotes.

Submissions (4):

ClinGen Myeloid Malignancy Variant Curation Expert Panel
Classification: Uncertain significance for Hereditary thrombocytopenia and hematologic cancer predisposition syndrome. Last evaluated: 2025-03-26. Review status: reviewed by expert panel. Criteria: ClinGen MyeloMalig ACMG Specifications v2. Collection method: curation. Allele origin: germline. Inheritance: Autosomal dominant inheritance.
Comment: NM_001754.5(RUNX1):c.998C>G (p.Pro333Arg) is a missense variant which has a REVEL score < 0.50 (0.33) and a SpliceAI score ≤ 0.20 (0) (BP4). In summary, the clinical significance of this variant is uncertain. ACMG/AMP criteria applied, as specified by the Myeloid Malignancy Variant Curation Expert Panel for RUNX1: BP4.

Labcorp Genetics (formerly Invitae), Labcorp
Classification: Uncertain significance for Hereditary thrombocytopenia and hematological cancer predisposition syndrome associated with RUNX1. Last evaluated: 2025-03-16. Review status: criteria provided, single submitter. Criteria: Invitae Variant Classification Sherloc (09022015). Collection method: clinical testing. Allele origin: germline. Not counted in ClinVar's aggregate classification.
Comment: This sequence change replaces proline, which is neutral and non-polar, with arginine, which is basic and polar, at codon 333 of the RUNX1 protein (p.Pro333Arg). This variant is present in population databases (no rsID available, gnomAD 0.01%). This variant has not been reported in the literature in individuals affected with RUNX1-related conditions. ClinVar contains an entry for this variant (Variation ID: 572808). Invitae Evidence Modeling of protein sequence and biophysical properties (such as structural, functional, and spatial information, amino acid conservation, physicochemical variation, residue mobility, and thermodynamic stability) has been performed for this missense variant. However, the output from this modeling did not meet the statistical confidence thresholds required to predict the impact of this variant on RUNX1 protein function. In summary, the available evidence is currently insufficient to determine the role of this variant in disease. Therefore, it has been classified as a Variant of Uncertain Significance.

Ambry Genetics
Classification: Uncertain significance for Inborn genetic diseases. Last evaluated: 2025-01-28. Review status: criteria provided, single submitter. Criteria: Ambry Variant Classification Scheme 2023. Collection method: clinical testing. Allele origin: germline. Not counted in ClinVar's aggregate classification.
Comment: The p.P333R variant (also known as c.998C>G), located in coding exon 8 of the RUNX1 gene, results from a C to G substitution at nucleotide position 998. The proline at codon 333 is replaced by arginine, an amino acid with dissimilar properties. This amino acid position is well conserved in available vertebrate species. In addition, this alteration is predicted to be tolerated by in silico analysis. Based on the available evidence, the clinical significance of this variant remains unclear.

Revvity Omics, Revvity
Classification: Uncertain significance. Last evaluated: 2023-09-26. Review status: criteria provided, single submitter. Criteria: ACMG Guidelines, 2015. Collection method: clinical testing. Allele origin: germline. Not counted in ClinVar's aggregate classification.